The following is an entry in ClinVar:

NM_001723.7(DST):c.3370C>T (p.Gln1124Ter)

Gene: DST (dystonin; minus strand). Cytogenetic location: 6p12.1.
Variant type: single nucleotide variant.
Coding change: c.3370C>T on transcript NM_001723.7 (MANE Plus Clinical); coding-DNA position 3370, C replaced by T.
Protein change: p.Gln1124Ter; replaces glutamine 1124 with a stop codon.
Molecular consequence: nonsense. On other transcripts: intron variant (10).
Genome position (GRCh38, 1-based): chr6:56,620,664, G>A on the plus strand (C>T on the coding strand, the complement: DST is on the minus strand). VCF-style: chr6-56620664-G-A. GRCh37 (hg19) VCF-style: chr6-56485462-G-A.
Other names: c.4830+3866C>T (NM_001144769.5); c.4929+3866C>T (NM_001374722.1, NM_001374736.1); c.4956+3866C>T (NM_001374734.1); c.4416+3866C>T (NM_001144770.2); c.4296+3866C>T (NM_001374730.1, NM_001386100.1, NM_183380.4 and 1 more transcripts); c.3318+3866C>T (NM_015548.5); short protein forms Q1124*.
Identifiers: ClinVar variation 66012 (VCV000066012.33), dbSNP rs201045495, ClinGen allele CA144816.
Genomic context (GRCh38, chr6:56,620,664, plus strand): 5'-CCAACTCACTTATCTTTCCTGTAAGTTTGCTATTCTCAAGCACTGTTGCCTTCTGACGCT[G>A]AAGCAGATCTGAATATGCCCCATGTTCAGAAGTCTCCTTACACCTTTTAATCTACAAAAG-3'

ClinVar aggregate classification (germline): Pathogenic/Likely pathogenic. Review status: criteria provided, multiple submitters, no conflicts (2 of 4 stars). 13 submissions from 13 submitters: Pathogenic (7); Likely pathogenic (2). 4 of the submissions do not count toward it. Last evaluated 2026-03-09.

Conditions:
Hereditary sensory and autonomic neuropathy type 6. Also called: Neuropathy, hereditary sensory and autonomic, type VI; HSAN VI. Identifiers: Orphanet 314381, MedGen C3539003, MONDO:0013839, OMIM 614653.
Epidermolysis bullosa simplex 3, localized or generalized intermediate, with BP230 deficiency (EBS3). Also called: Epidermolysis bullosa simplex due to BP230 deficiency; Epidermolysis bullosa simplex, autosomal recessive 2. Identifiers: Orphanet 412181, MedGen C3809470, MONDO:0014180, OMIM 615425.
DST-related disorder. Also called: DST-related disorders; DST-related condition.

Allele frequency attached by ClinVar (database versions not stated): gnomAD exomes 0.00003 and 0.00004; gnomAD 0.00004 and 0.00006; TOPMed 0.00004; ExAC 0.00005; ESP Exome Variant Server 0.00008.
gnomAD v4.1: 73 of 1,614,108 alleles (0.0045%); highest among the groups gnomAD compares: Middle Eastern, 0.099%; no homozygotes.

Submissions (13):

Dasa
Classification: Pathogenic. Last evaluated: 2026-03-09. Review status: criteria provided, single submitter. Criteria: DASA Assertion Criteria. Collection method: clinical testing. Allele origin: germline.
Comment: NM_001723.7(DST):c.3370C>T (p.Gln1124*) introduces a premature termination codon predicted to result in loss of normal protein function. Loss-of-function is an established mechanism of disease for this gene. This variant has been recurrently observed in individuals with related phenotype (PMID: 20164846; PMID: 25059916). The variant is present at low frequency in population datasets. Based on the available data, this variant is classified as pathogenic.

Labcorp Genetics (formerly Invitae), Labcorp
Classification: Pathogenic for Epidermolysis bullosa simplex 3, localized or generalized intermediate, with BP230 deficiency; Hereditary sensory and autonomic neuropathy type 6. Last evaluated: 2026-01-21. Review status: criteria provided, single submitter. Criteria: Invitae Variant Classification Sherloc (09022015). Collection method: clinical testing. Allele origin: germline.
Comment: This sequence change creates a premature translational stop signal (p.Gln1124*) in the DST gene. It is expected to result in an absent or disrupted protein product. Loss-of-function variants in DST are known to be pathogenic (PMID: 22522446, 25059916, 30371979). This variant is present in population databases (rs201045495, gnomAD 0.01%). This premature translational stop signal has been observed in individuals with epidermolysis bullosa simplex (PMID: 20164846, 25059916). It has also been observed to segregate with disease in related individuals. ClinVar contains an entry for this variant (Variation ID: 66012). Algorithms developed to predict the effect of sequence changes on RNA splicing suggest that this variant may disrupt the consensus splice site. For these reasons, this variant has been classified as Pathogenic.

3billion
Classification: Likely pathogenic for Epidermolysis bullosa simplex 3, localized or generalized intermediate, with BP230 deficiency. Last evaluated: 2025-10-30. Review status: criteria provided, single submitter. Criteria: ACMG Guidelines, 2015. Collection method: clinical testing. Allele origin: germline. Affected: yes.
Comment: The variant is observed at an extremely low frequency in the gnomAD v4.1.0 dataset (total allele frequency: 0.005%). Predicted Consequence/Location: Intron variant In silico tools predict the variant to alter splicing and produce an abnormal transcript [SpliceAI: 0.33 (>=0.2, moderate evidence for spliceogenicity)]. The variant has been reported at least twice as pathogenic with clinical assertions and evidence for the classification (ClinVar ID: VCV000066012 /PMID: 20164846). Therefore, this variant is classified as Likely pathogenic according to the recommendation of ACMG/AMP guideline.

Blueprint Genetics
Classification: Likely pathogenic for DST-related disorders. Last evaluated: 2024-11-19. Review status: criteria provided, single submitter. Criteria: ACMG Guidelines, 2015. Collection method: clinical testing. Allele origin: germline. Affected: yes. Observed: 5 variant alleles.

GeneDx
Classification: Pathogenic. Last evaluated: 2024-10-15. Review status: criteria provided, single submitter. Criteria: GeneDx Variant Classification Process June 2021. Collection method: clinical testing. Allele origin: germline. Affected: yes.
Comment: Nonsense variant predicted to result in protein truncation or nonsense mediated decay in a gene for which loss of function is a known mechanism of disease; This variant is associated with the following publications: (PMID: 25525159, 27884173, 34426522, 30011071, 33471381, 35276021, 37431644, 37883475, 32802955, 37692655, 25059916, 20164846)

Institute of Medical Genetics and Applied Genomics, University Hospital Tübingen
Classification: Pathogenic for Epidermolysis bullosa simplex 3, localized or generalized intermediate, with BP230 deficiency. Last evaluated: 2024-06-06. Review status: criteria provided, single submitter. Criteria: ACMG Guidelines, 2015. Collection method: clinical testing. Allele origin: germline. Inheritance: Autosomal recessive inheritance. Affected: yes.

Revvity Omics, Revvity
Classification: Pathogenic. Last evaluated: 2024-04-15. Review status: criteria provided, single submitter. Criteria: ACMG Guidelines, 2015. Collection method: clinical testing. Allele origin: germline.

Genomic Medicine Center of Excellence, King Faisal Specialist Hospital and Research Centre
Classification: Pathogenic for Hereditary sensory and autonomic neuropathy type 6. Last evaluated: 2024-03-25. Review status: criteria provided, single submitter. Criteria: ACMG Guidelines, 2015. Collection method: clinical testing. Allele origin: germline.

Baylor Genetics
Classification: Pathogenic for Epidermolysis bullosa simplex 3, localized or generalized intermediate, with BP230 deficiency. Last evaluated: 2024-01-05. Review status: criteria provided, single submitter. Criteria: ACMG Guidelines, 2015. Collection method: clinical testing. Allele origin: unknown.

Biochemical Molecular Genetic Laboratory, King Abdulaziz Medical City
Classification: Likely pathogenic for Epidermolysis bullosa simplex 3, localized or generalized intermediate, with BP230 deficiency. Last evaluated: 2020-10-11. Review status: no assertion criteria provided. Collection method: clinical testing. Allele origin: germline. Affected: yes. Not counted in ClinVar's aggregate classification.

OMIM
Classification: Pathogenic for EPIDERMOLYSIS BULLOSA SIMPLEX 3, LOCALIZED OR GENERALIZED INTERMEDIATE, WITH BP230 DEFICIENCY. Last evaluated: 2010-06-01. Review status: no assertion criteria provided. Collection method: literature only. Allele origin: germline. Not counted in ClinVar's aggregate classification.

Laboratory for Molecular Medicine, Mass General Brigham Personalized Medicine
Classification: Uncertain significance. Last evaluated: 2016-03-28. Review status: flagged submission. Criteria: LMM Criteria. Collection method: clinical testing. Allele origin: germline. Not counted in ClinVar's aggregate classification.
Comment: Variant identified in a genome or exome case(s) and assessed due to predicted null impact of the variant or pathogenic assertions in the literature or databases. Disclaimer: This variant has not undergone full assessment. The following are preliminary notes: Gene associated with epidermolysis bullosa simplex or hereditary sensory and autonomic neuropathy type VI - characterized by neonatal hypotonia, respiratory and feeding difficulties, lack of psychomotor development, and autonomic abnormalities.
ClinVar note: Reason: Outlier claim with insufficient supporting evidence

Inherited Neuropathy Consortium Ii, University Of Miami
Classification: Uncertain significance for Hereditary sensory and autonomic neuropathy type 6. Last evaluated: 2016-01-06. Review status: flagged submission. Collection method: literature only. Allele origin: germline. Affected: yes. Not counted in ClinVar's aggregate classification.
ClinVar note: Reason: Outlier claim with insufficient supporting evidence

Literature cited by the submitters: PubMed 20164846 (cited by 5 submitters); PubMed 25059916 (cited by Dasa and Labcorp Genetics (formerly Invitae), Labcorp); PubMed 22522446 (cited by Labcorp Genetics (formerly Invitae), Labcorp); PubMed 30371979 (cited by Labcorp Genetics (formerly Invitae), Labcorp); PubMed 33471381 (cited by OMIM).